The following is an entry in ClinVar:

NM_001323289.2(CDKL5):c.1337C>G (p.Ser446Ter)

Gene: CDKL5 (cyclin dependent kinase like 5; plus strand). Cytogenetic location: Xp22.13.
Variant type: single nucleotide variant.
Coding change: c.1337C>G on transcript NM_001323289.2 (MANE Select); coding-DNA position 1337, C replaced by G.
Protein change: p.Ser446Ter; replaces serine 446 with a stop codon.
Molecular consequence: nonsense.
Genome position (GRCh38, 1-based): chrX:18,604,261, C>G. VCF-style: chrX-18604261-C-G. GRCh37 (hg19) VCF-style: chrX-18622381-C-G.
Other names: c.1337C>G, p.Ser446Ter (NM_001037343.2, NM_003159.3); short protein forms S446*.
Identifiers: ClinVar variation 3382547 (VCV003382547.2).

ClinVar aggregate classification (germline): Pathogenic (1 of 4 stars; one submission).

Conditions:
Developmental and epileptic encephalopathy, 2 (DEE2). Also called: INFANTILE SPASM SYNDROME, X-LINKED 2; CDKL5 deficiency disorder. Identifiers: Orphanet 1934, Orphanet 3451, Orphanet 505652, MedGen C4750718, MONDO:0010396, OMIM 300672.

Submission:

Juno Genomics, Hangzhou Juno Genomics, Inc
Classification: Pathogenic for Developmental and epileptic encephalopathy, 2. Review status: criteria provided, single submitter. Criteria: ACMG Guidelines, 2015. Collection method: clinical testing. Allele origin: germline. Affected: yes.
Comment: Absent from controls (or at extremely low frequency if recessive) in Genome Aggregation Database, Exome Sequencing Project, 1000 Genomes Project, or Exome Aggregation Consortium.;Null variant in a gene where loss of function (LOF) is a known mechanism of disease.;De novo (both maternity and paternity confirmed) in a patient with the disease and no family history.;The prevalence of the variant in affected individuals is significantly increased compared to the prevalence in controls.;Patient's phenotype or family history is highly specific for a disease with a single genetic etiology.